The following is an entry in ClinVar:

NM_199420.4(POLQ):c.7575G>C (p.Met2525Ile)

Gene: POLQ (DNA polymerase theta; minus strand). Cytogenetic location: 3q13.33.
Variant type: single nucleotide variant.
Coding change: c.7575G>C on transcript NM_199420.4 (MANE Select); coding-DNA position 7575, G replaced by C.
Protein change: p.Met2525Ile; replaces methionine 2525 with isoleucine.
Molecular consequence: missense variant.
Genome position (GRCh38, 1-based): chr3:121,433,002, C>G on the plus strand (G>C on the coding strand, the complement: POLQ is on the minus strand). VCF-style: chr3-121433002-C-G. GRCh37 (hg19) VCF-style: chr3-121151849-C-G.
Other names: short protein forms M2525I.
Identifiers: ClinVar variation 1759596 (VCV001759596.2), dbSNP rs750113313, ClinGen allele CA354093920.

ClinVar aggregate classification (germline): Uncertain significance (1 of 4 stars; one submission).

Submission:

Ambry Genetics
Classification: Uncertain significance. Last evaluated: 2022-05-02. Review status: criteria provided, single submitter. Criteria: Ambry Variant Classification Scheme 2023. Collection method: clinical testing. Allele origin: germline.
Comment: The p.M2525I variant (also known as c.7575G>C), located in coding exon 29 of the POLQ gene, results from a G to C substitution at nucleotide position 7575. The methionine at codon 2525 is replaced by isoleucine, an amino acid with highly similar properties. This amino acid position is conserved. In addition, this alteration is predicted to be tolerated by in silico analysis. Since supporting evidence is limited at this time, the clinical significance of this alteration remains unclear.